The following is an entry in ClinVar:

ClinVar aggregate classification (germline): Uncertain significance (1 of 4 stars; one submission).

Conditions:
Hereditary cancer-predisposing syndrome. Also called: Neoplastic Syndromes, Hereditary; Tumor predisposition; Hereditary neoplastic syndrome; Hereditary Cancer Syndrome. Identifiers: Orphanet 140162, MedGen C0027672, MeSH D009386, MONDO:0015356.

Allele frequency attached by ClinVar (database versions not stated): gnomAD exomes below 0.00001; ExAC 0.00001; gnomAD 0.00001; 1000 Genomes Project 30x 0.00016; 1000 Genomes Project 0.00020.
gnomAD v4.1: 2 of 1,613,190 alleles (0.00012%); highest among the groups gnomAD compares: South Asian, 0.0011%; no homozygotes.

Submission:

Ambry Genetics
Classification: Uncertain significance for Hereditary cancer-predisposing syndrome. Last evaluated: 2023-11-28. Review status: criteria provided, single submitter. Criteria: Ambry Variant Classification Scheme 2023. Collection method: clinical testing. Allele origin: germline.
Comment: The p.S2368F variant (also known as c.7103C>T), located in coding exon 15 of the APC gene, results from a C to T substitution at nucleotide position 7103. The serine at codon 2368 is replaced by phenylalanine, an amino acid with highly dissimilar properties. This amino acid position is well conserved in available vertebrate species. In addition, in silico predictors for this gene do not accurately predict pathogenicity. Since supporting evidence is limited at this time, the clinical significance of this alteration remains unclear.

NM_000038.6(APC):c.7103C>T (p.Ser2368Phe)

Gene: APC (APC regulator of Wnt signaling pathway; plus strand). Cytogenetic location: 5q22.2.
Variant type: single nucleotide variant.
Coding change: c.7103C>T on transcript NM_000038.6 (MANE Select); coding-DNA position 7103, C replaced by T.
Protein change: p.Ser2368Phe; replaces serine 2368 with phenylalanine.
Molecular consequence: missense variant. On other transcripts: non-coding transcript variant (2).
Genome position (GRCh38, 1-based): chr5:112,842,697, C>T. VCF-style: chr5-112842697-C-T. GRCh37 (hg19) VCF-style: chr5-112178394-C-T.
Other names: c.7103C>T, p.Ser2368Phe (NM_001127510.3, NM_001354895.2, NM_001407450.1); c.7049C>T, p.Ser2350Phe (NM_001127511.3); c.7157C>T, p.Ser2386Phe (NM_001354896.2, NM_001407447.1, NM_001407448.1 and 1 more transcripts); c.7133C>T, p.Ser2378Phe (NM_001354897.2); c.7028C>T, p.Ser2343Phe (NM_001354898.2); c.7019C>T, p.Ser2340Phe (NM_001354899.2); c.6980C>T, p.Ser2327Phe (NM_001354900.2); c.6926C>T, p.Ser2309Phe (NM_001354901.2, NM_001407453.1); and 11 more; short protein forms S1984F, S2085F, S2208F, S2239F, S2242F, S2267F, S2277F, S2285F.
Identifiers: ClinVar variation 3231149 (VCV003231149.1), dbSNP rs547564330, ClinGen allele CA046940.